The following is an entry in ClinVar:

ClinVar aggregate classification (germline): Uncertain significance (1 of 4 stars; one submission).

Submission:

GeneDx
Classification: Uncertain significance. Last evaluated: 2024-01-05. Review status: criteria provided, single submitter. Criteria: GeneDx Variant Classification Process June 2021. Collection method: clinical testing. Allele origin: germline. Affected: yes.
Comment: Not observed at significant frequency in large population cohorts (gnomAD); In silico analysis supports that this missense variant does not alter protein structure/function; Has not been previously published as pathogenic or benign to our knowledge

NM_003024.3(ITSN1):c.2483C>G (p.Ala828Gly)

Gene: ITSN1 (intersectin 1; plus strand). Cytogenetic location: 21q22.11.
Variant type: single nucleotide variant.
Coding change: c.2483C>G on transcript NM_003024.3 (MANE Select); coding-DNA position 2483, C replaced by G.
Protein change: p.Ala828Gly; replaces alanine 828 with glycine.
Molecular consequence: missense variant.
Genome position (GRCh38, 1-based): chr21:33,811,138, C>G. VCF-style: chr21-33811138-C-G. GRCh37 (hg19) VCF-style: chr21-35183442-C-G.
Other names: c.2483C>G, p.Ala828Gly (NM_001001132.2, NM_001331008.2); c.2468C>G, p.Ala823Gly (NM_001331009.2, NM_001331010.2, NM_001331011.2); c.2357C>G, p.Ala786Gly (NM_001331012.2); short protein forms A786G, A823G, A828G.
Identifiers: ClinVar variation 3367662 (VCV003367662.1).
Genomic context (GRCh38, chr21:33,811,138, plus strand): 5'-AGGTTCCCGCTCCAGTGAAACCAGTGACTGATTCAACATCTGCCCCTGCCCCCAAACTGG[C>G]CTTGCGTGAGACCCCCGCCCCTTTGGCAGTAACCTCTTCAGAGCCCTCCACGACCCCTAA-3'
Protein context (NP_003015.2, residues 818-838): DSTSAPAPKL[Ala828Gly]LRETPAPLAV